The following is an entry in ClinVar:

ClinVar aggregate classification (germline): Conflicting classifications of pathogenicity. Review status: criteria provided, conflicting classifications (1 of 4 stars). 3 submissions from 3 submitters: Uncertain significance (1); Likely benign (2). Last evaluated 2025-11-26.

Conditions:
Familial thoracic aortic aneurysm and aortic dissection (TAAD). Also called: Thoracic aortic aneurysms and dissections. Identifiers: Orphanet 91387, MedGen C4707243, MONDO:0019625.
Adams-Oliver syndrome 5 (AOS5). Identifiers: Orphanet 974, MedGen C4014970, MONDO:0014459, OMIM 616028.

Allele frequency attached by ClinVar (database versions not stated): ExAC 0.00001; gnomAD exomes 0.00001 and 0.00003; TOPMed 0.00002; gnomAD 0.00003.
gnomAD v4.1: 45 of 1,610,802 alleles (0.0028%); highest among the groups gnomAD compares: African/African-American, 0.004%; no homozygotes.

Submissions (3):

Ambry Genetics
Classification: Uncertain significance for Familial thoracic aortic aneurysm and aortic dissection. Last evaluated: 2025-11-26. Review status: criteria provided, single submitter. Criteria: Ambry Variant Classification Scheme 2023. Collection method: clinical testing. Allele origin: germline.
Comment: The c.3552C>T variant (also known as p.I1184I), located in coding exon 22 of the NOTCH1 gene, results from a C to T substitution at nucleotide position 3552. This nucleotide substitution does not change the isoleucine at codon 1184. This nucleotide position is not well conserved in available vertebrate species. In silico splice site analysis predicts that this alteration may result in the creation or strengthening of a novel splice acceptor site. Since supporting evidence is limited at this time, the clinical significance of this alteration remains unclear.

Labcorp Genetics (formerly Invitae), Labcorp
Classification: Likely benign for Adams-Oliver syndrome 5. Last evaluated: 2023-12-13. Review status: criteria provided, single submitter. Criteria: Invitae Variant Classification Sherloc (09022015). Collection method: clinical testing. Allele origin: germline.

GeneDx
Classification: Likely benign. Last evaluated: 2019-05-23. Review status: criteria provided, single submitter. Criteria: GeneDx Variant Classification Process June 2021. Collection method: clinical testing. Allele origin: germline. Affected: yes.

NM_017617.5(NOTCH1):c.3552C>T (p.Ile1184=)

Gene: NOTCH1 (notch receptor 1; minus strand). Cytogenetic location: 9q34.3.
Variant type: single nucleotide variant.
Coding change: c.3552C>T on transcript NM_017617.5 (MANE Select); coding-DNA position 3552, C replaced by T.
Protein change: p.Ile1184=; no amino-acid change (isoleucine 1184 retained).
Molecular consequence: synonymous variant.
Genome position (GRCh38, 1-based): chr9:136,507,396, G>A on the plus strand (C>T on the coding strand, the complement: NOTCH1 is on the minus strand). VCF-style: chr9-136507396-G-A. GRCh37 (hg19) VCF-style: chr9-139401848-G-A.
Other names: c.3552C>T, p.Ile1184= (LRG_1122t1).
Identifiers: ClinVar variation 513040 (VCV000513040.9), dbSNP rs773375573, ClinGen allele CA5340881.
Genomic context (GRCh38, chr9:136,507,396, plus strand): 5'-GGTGTTGGGGAGGTCGAGGCAGGTGCCCCCGTTCTGGCAGGGGTGGGAGAGGCACTCGTC[G>A]ATCTCCTCAGAGCAGTTCACCCCGTGGTAGCCGGCCACGCACTGTGCAGGCGACAGAACG-3'
Protein context (NP_060087.3, residues 1174-1194): GYHGVNCSEE[Ile1184=]DECLSHPCQN